The following is an entry in ClinVar:

ClinVar aggregate classification (germline): Uncertain significance (1 of 4 stars; one submission).

Conditions:
Catecholaminergic polymorphic ventricular tachycardia 1. Also called: VENTRICULAR TACHYCARDIA, STRESS-INDUCED POLYMORPHIC 1; RYR2-Related Catecholaminergic Polymorphic Ventricular Tachycardia; VENTRICULAR TACHYCARDIA, CATECHOLAMINERGIC POLYMORPHIC, 1, WITH OR WITHOUT ATRIAL DYSFUNCTION AND/OR DILATED CARDIOMYOPATHY. Identifiers: Orphanet 3286, MedGen C1631597, MONDO:0011484, OMIM 604772.

Submission:

Labcorp Genetics (formerly Invitae), Labcorp
Classification: Uncertain significance for Catecholaminergic polymorphic ventricular tachycardia 1. Last evaluated: 2022-04-08. Review status: criteria provided, single submitter. Criteria: Invitae Variant Classification Sherloc (09022015). Collection method: clinical testing. Allele origin: germline.
Comment: This sequence change replaces cysteine, which is neutral and slightly polar, with arginine, which is basic and polar, at codon 1078 of the RYR2 protein (p.Cys1078Arg). This variant is not present in population databases (gnomAD no frequency). This variant has not been reported in the literature in individuals affected with RYR2-related conditions. Advanced modeling of protein sequence and biophysical properties (such as structural, functional, and spatial information, amino acid conservation, physicochemical variation, residue mobility, and thermodynamic stability) performed at Invitae indicates that this missense variant is not expected to disrupt RYR2 protein function. In summary, the available evidence is currently insufficient to determine the role of this variant in disease. Therefore, it has been classified as a Variant of Uncertain Significance.

NM_001035.3(RYR2):c.3232T>C (p.Cys1078Arg)

Gene: RYR2 (ryanodine receptor 2; plus strand). Cytogenetic location: 1q43.
Variant type: single nucleotide variant.
Coding change: c.3232T>C on transcript NM_001035.3 (MANE Select); coding-DNA position 3232, T replaced by C.
Protein change: p.Cys1078Arg; replaces cysteine 1078 with arginine.
Molecular consequence: missense variant.
Genome position (GRCh38, 1-based): chr1:237,566,584, T>C. VCF-style: chr1-237566584-T-C. GRCh37 (hg19) VCF-style: chr1-237729884-T-C.
Other names: short protein forms C1078R.
Identifiers: ClinVar variation 2144263 (VCV002144263.1), dbSNP rs1461378385, ClinGen allele CA345397861.